The following is an entry in ClinVar:

ClinVar aggregate classification (germline): Uncertain significance (1 of 4 stars; one submission).

Conditions:
Mitochondrial DNA depletion syndrome 14B (cardioencephalomyopathic type). Also called: Mitochondrial DNA depletion syndrome 14 (cardioencephalomyopathic type); Mitochondrial DNA depletion syndrome 14 (encephalocardiomyopathic type). Identifiers: MedGen C6065890, MONDO:0014820, OMIM 616896.

Submission:

3billion
Classification: Uncertain significance for Mitochondrial DNA depletion syndrome 14B (cardioencephalomyopathic type). Last evaluated: 2022-05-22. Review status: criteria provided, single submitter. Criteria: ACMG Guidelines, 2015. Collection method: clinical testing. Allele origin: germline. Affected: yes. Observed: 1 homozygote.
Comment: The variant is not observed in the gnomAD v2.1.1 dataset. Inframe deletion located in a nonrepeat region: predicted to change the length of the protein and disrupt normal protein function. Therefore, this variant is classified as uncertain significanceaccording to the recommendation of ACMG/AMP guideline.

NM_130837.3(OPA1):c.2552AGA[1] (p.Lys852del)

Gene: OPA1 (OPA1 mitochondrial dynamin like GTPase; plus strand). Cytogenetic location: 3q29.
Variant type: Microsatellite.
Coding change: c.2552AGA[1] on transcript NM_130837.3 (MANE Select); one copy of the 3-base unit AGA starting at c.2552; the reference has two copies in a row; one copy, 3 bases deleted; also written c.2555_2557del.
Protein change: p.Lys852del; deletes lysine 852.
Molecular consequence: inframe deletion.
Genome position (GRCh38, 1-based): chr3:193,662,856-193,662,858, AGA deleted; deleting any 3 consecutive bases within chr3:193,662,853-193,662,858 gives the same sequence; the position shown is the placement nearest the transcript's 3' end. VCF-style (leftmost placement, unchanged base first): chr3-193662852-GAGA-G. GRCh37 (hg19) VCF-style: chr3-193380641-GAGA-G.
Other names: c.2498AGA[1], p.Lys834del (NM_130836.3); c.2018AGA[1], p.Lys674del (NM_001354663.2); c.2015AGA[1], p.Lys673del (NM_001354664.2); c.2387AGA[1], p.Lys797del (NM_015560.3); c.2279AGA[1], p.Lys761del (NM_130831.3); c.2333AGA[1], p.Lys779del (NM_130832.3); c.2390AGA[1], p.Lys798del (NM_130833.3); c.2441AGA[1], p.Lys815del (NM_130834.3); and 2 more; short protein forms K673del, K674del, K761del, K779del, K797del, K798del, K815del, K816del.
Identifiers: ClinVar variation 1687182 (VCV001687182.1), dbSNP rs1218413866, ClinGen allele CA904583964.
Genomic context (GRCh38, chr3:193,662,852, plus strand): 5'-AAACACAGTCCTTTTTTAAACATTTTAAAGTGTGTTCACAATGAAACCAAGAATGAATTG[GAGA>G]AGATGTTGAAATGTAATGAGGAGCACCCAGCTTATCTTGCAAGTGATGAAATAACCACAG-3'